The following is an entry in ClinVar:

ClinVar aggregate classification (germline): Likely pathogenic (1 of 4 stars; one submission).

Submission:

Labcorp Genetics (formerly Invitae), Labcorp
Classification: Likely pathogenic. Last evaluated: 2018-09-13. Review status: criteria provided, single submitter. Criteria: Invitae Variant Classification Sherloc (09022015). Collection method: clinical testing. Allele origin: germline.
Comment: This sequence change affects an acceptor splice site in intron 9 of the NSD1 gene. It is expected to disrupt RNA splicing and likely results in an absent or disrupted protein product. This variant is not present in population databases (ExAC no frequency). This variant has been observed in an individual affected with overgrowth and intellectual disability (PMID: 28475857, 29276005). Algorithms developed to predict the effect of sequence changes on RNA splicing suggest that this variant may disrupt the consensus splice site, but this prediction has not been confirmed by published transcriptional studies. Donor and acceptor splice site variants typically lead to a loss of protein function (PMID: 16199547), and loss-of-function variants in NSD1 are known to be pathogenic (PMID: 12464997, 14571271, 15942875, 16247291). In summary, the currently available evidence indicates that the variant is pathogenic, but additional data are needed to prove that conclusively. Therefore, this variant has been classified as Likely Pathogenic.

Literature cited by the submitters: PubMed 28475857; PubMed 29276005; PubMed 16199547; PubMed 12464997; PubMed 14571271; PubMed 15942875; PubMed 16247291.

NM_022455.5(NSD1):c.4379-2A>G

Gene: NSD1 (nuclear receptor binding SET domain protein 1; plus strand). Cytogenetic location: 5q35.3.
Variant type: single nucleotide variant.
Coding change: c.4379-2A>G on transcript NM_022455.5 (MANE Select); the canonical splice acceptor site of the intron before coding-DNA position 4379, A replaced by G.
Molecular consequence: splice acceptor variant.
Genome position (GRCh38, 1-based): chr5:177,246,676, A>G. VCF-style: chr5-177246676-A-G. GRCh37 (hg19) VCF-style: chr5-176673677-A-G.
Other names: c.4379-2A>G (NM_001409301.1, NM_001409302.1, NM_001409303.1); c.3959-2A>G (NM_001409304.1); c.3626-2A>G (NM_001409305.1); c.3506-2A>G (NM_001409306.1, NM_001409308.1, NM_001409307.1 and 3 more transcripts).
Identifiers: ClinVar variation 641263 (VCV000641263.9), dbSNP rs1581429903, ClinGen allele CA362348347.